The following is an entry in ClinVar:

ClinVar aggregate classification (germline): Likely benign. Review status: criteria provided, single submitter (1 of 4 stars). 2 submissions from 2 submitters: Likely benign (1). 1 of the submissions does not count toward it. Last evaluated 2026-01-14.

Conditions:
RPGRIP1L-related disorder. Also called: RPGRIP1L-related disorders; RPGRIP1L-related condition. Identifiers: MedGen CN239416.
Meckel-Gruber syndrome. Also called: DYSENCEPHALIA SPLANCHNOCYSTICA; Dysencephalia splachnocystica; GRUBER SYNDROME. Identifiers: Orphanet 564, MedGen C0265215, MONDO:0018921.
Joubert syndrome. Also called: JOUBERT-BOLTSHAUSER SYNDROME; Familial aplasia of the vermis. Identifiers: Orphanet 475, MedGen C5979921, MONDO:0018772.

Allele frequency attached by ClinVar (database versions not stated): TOPMed below 0.00001; gnomAD 0.00001; gnomAD exomes 0.00001.
gnomAD v4.1: 79 of 1,572,554 alleles (0.005%); highest among the groups gnomAD compares: Non-Finnish European, 0.0066%; no homozygotes.

Submissions (2):

Labcorp Genetics (formerly Invitae), Labcorp
Classification: Likely benign for Joubert syndrome; Meckel-Gruber syndrome. Last evaluated: 2026-01-14. Review status: criteria provided, single submitter. Criteria: Invitae Variant Classification Sherloc (09022015). Collection method: clinical testing. Allele origin: germline.

PreventionGenetics, part of Exact Sciences
Classification: Likely benign for RPGRIP1L-related condition. Last evaluated: 2023-03-14. Review status: no assertion criteria provided. Collection method: clinical testing. Allele origin: germline. Not counted in ClinVar's aggregate classification.
Comment: This variant is classified as likely benign based on ACMG/AMP sequence variant interpretation guidelines (Richards et al. 2015 PMID: 25741868, with internal and published modifications).

NM_015272.5(RPGRIP1L):c.1095T>C (p.Leu365=)

Gene: RPGRIP1L (RPGRIP1 like; minus strand). Cytogenetic location: 16q12.2.
Variant type: single nucleotide variant.
Coding change: c.1095T>C on transcript NM_015272.5 (MANE Select); coding-DNA position 1095, T replaced by C.
Protein change: p.Leu365=; no amino-acid change (leucine 365 retained).
Molecular consequence: synonymous variant.
Genome position (GRCh38, 1-based): chr16:53,671,518, A>G on the plus strand (T>C on the coding strand, the complement: RPGRIP1L is on the minus strand). VCF-style: chr16-53671518-A-G. GRCh37 (hg19) VCF-style: chr16-53705430-A-G.
Other names: c.1095T>C, p.Leu365= (NM_001127897.4, NM_001308334.3, NM_001330538.2); c.1095T>C (NM_015272.4).
Identifiers: ClinVar variation 1150755 (VCV001150755.11), dbSNP rs201763037, ClinGen allele CA281354900.